The following is an entry in ClinVar:

NM_001609.4(ACADSB):c.*2224A>G

Gene: ACADSB (acyl-CoA dehydrogenase short/branched chain; plus strand). Cytogenetic location: 10q26.13.
Variant type: single nucleotide variant.
Coding change: c.*2224A>G on transcript NM_001609.4 (MANE Select); 2224 bases downstream of the stop codon, A replaced by G.
Molecular consequence: 3 prime UTR variant.
Genome position (GRCh38, 1-based): chr10:123,055,989, A>G. VCF-style: chr10-123055989-A-G. GRCh37 (hg19) VCF-style: chr10-124815505-A-G.
Other names: c.*2224A>G (NM_001330174.3).
Identifiers: ClinVar variation 878460 (VCV000878460.4), dbSNP rs192771453, ClinGen allele CA215174497.

ClinVar aggregate classification (germline): Likely benign (1 of 4 stars; one submission).

Conditions:
Deficiency of 2-methylbutyryl-CoA dehydrogenase (ACADSB). Also called: 2-methylbutyryl-CoA dehydrogenase deficiency; SBCAD deficiency; 2-methylbutyric aciduria; Short branched-chain acyl-CoA dehydrogenase deficiency; 2-methylbutyrylglycinuria. Identifiers: Orphanet 79157, MedGen C1864912, MONDO:0012392, OMIM 610006, HP:0020147.

Allele frequency attached by ClinVar (database versions not stated): 1000 Genomes Project 30x 0.00250; 1000 Genomes Project 0.00260; TOPMed 0.00348.

Submission:

Illumina Laboratory Services, Illumina
Classification: Likely benign for Deficiency of 2-methylbutyryl-CoA dehydrogenase. Last evaluated: 2018-01-12. Review status: criteria provided, single submitter. Criteria: ICSL Variant Classification Criteria 13 December 2019. Collection method: clinical testing. Allele origin: germline.
Comment: This variant was observed in the ICSL laboratory as part of a predisposition screen in an ostensibly healthy population. It had not been previously curated by ICSL or reported in the Human Gene Mutation Database (HGMD: prior to June 1st, 2018), and was therefore a candidate for classification through an automated scoring system. Utilizing variant allele frequency, disease prevalence and penetrance estimates, and inheritance mode, an automated score was calculated to assess if this variant is too frequent to cause the disease. Based on the score and internal cut-off values, a variant classified as likely benign is not then subjected to further curation. The score for this variant resulted in a classification of likely benign for this disease.